The following is an entry in ClinVar:

NM_017841.4(SDHAF2):c.161C>T (p.Pro54Leu)

Gene: SDHAF2 (succinate dehydrogenase complex assembly factor 2; plus strand). Cytogenetic location: 11q12.2.
Variant type: single nucleotide variant.
Coding change: c.161C>T on transcript NM_017841.4 (MANE Select); coding-DNA position 161, C replaced by T.
Protein change: p.Pro54Leu; replaces proline 54 with leucine.
Molecular consequence: missense variant.
Genome position (GRCh38, 1-based): chr11:61,437,749, C>T. VCF-style: chr11-61437749-C-T. GRCh37 (hg19) VCF-style: chr11-61205221-C-T.
Other names: short protein forms P54L.
Identifiers: ClinVar variation 1776573 (VCV001776573.5), dbSNP rs1179606405, ClinGen allele CA380683399.

ClinVar aggregate classification (germline): Uncertain significance. Review status: criteria provided, multiple submitters, no conflicts (2 of 4 stars). 3 submissions from 3 submitters: Uncertain significance (3). Last evaluated 2024-08-06.

Conditions:
Hereditary cancer-predisposing syndrome. Also called: Tumor predisposition; Hereditary Cancer Syndrome; Hereditary neoplastic syndrome; Neoplastic Syndromes, Hereditary. Identifiers: Orphanet 140162, MedGen C0027672, MeSH D009386, MONDO:0015356.
Hereditary pheochromocytoma and paraganglioma. Also called: Hereditary paragangliomas and pheochromocytomas; Hereditary Paraganglioma-Pheochromocytoma Syndromes; Hereditary pheochromocytoma-paraganglioma. Identifiers: Orphanet 29072, MedGen C4274332, MONDO:0017366.

Allele frequency attached by ClinVar (database versions not stated): TOPMed below 0.00001; gnomAD 0.00001.
gnomAD v4.1: 1 of 1,614,030 alleles (0.000062%); highest among the groups gnomAD compares: Non-Finnish European, 0.000085%; no homozygotes.

Submissions (3):

All of Us Research Program, National Institutes of Health
Classification: Uncertain significance for Hereditary pheochromocytoma and paraganglioma. Last evaluated: 2024-08-06. Review status: criteria provided, single submitter. Criteria: ACMG Guidelines, 2015. Collection method: clinical testing. Allele origin: germline. Inheritance: Autosomal dominant inheritance. Observed: 1 variant allele, 1 heterozygote.
Comment: This study involves interpretation of variants in research participants for the purpose of population health screening. Participant phenotype was not available at the time of variant classification. Additional details can be found in publication PMID: 35346344, PMCID: PMC8962531

Labcorp Genetics (formerly Invitae), Labcorp
Classification: Uncertain significance for Hereditary pheochromocytoma and paraganglioma. Last evaluated: 2024-05-21. Review status: criteria provided, single submitter. Criteria: Invitae Variant Classification Sherloc (09022015). Collection method: clinical testing. Allele origin: germline.
Comment: This sequence change replaces proline, which is neutral and non-polar, with leucine, which is neutral and non-polar, at codon 54 of the SDHAF2 protein (p.Pro54Leu). This variant is not present in population databases (gnomAD no frequency). This variant has not been reported in the literature in individuals affected with SDHAF2-related conditions. ClinVar contains an entry for this variant (Variation ID: 1776573). An algorithm developed to predict the effect of missense changes on protein structure and function (PolyPhen-2) suggests that this variant is likely to be disruptive. In summary, the available evidence is currently insufficient to determine the role of this variant in disease. Therefore, it has been classified as a Variant of Uncertain Significance.

Ambry Genetics
Classification: Uncertain significance for Hereditary cancer-predisposing syndrome. Last evaluated: 2022-07-19. Review status: criteria provided, single submitter. Criteria: Ambry Variant Classification Scheme 2023. Collection method: clinical testing. Allele origin: germline.
Comment: The p.P54L variant (also known as c.161C>T), located in coding exon 2 of the SDHAF2 gene, results from a C to T substitution at nucleotide position 161. The proline at codon 54 is replaced by leucine, an amino acid with similar properties. This amino acid position is conserved. In addition, this alteration is predicted to be deleterious by in silico analysis. Since supporting evidence is limited at this time, the clinical significance of this alteration remains unclear.